The following is an entry in ClinVar:

NM_000088.4(COL1A1):c.1685del (p.Asp562fs)

Gene: COL1A1 (collagen type I alpha 1 chain; minus strand). Cytogenetic location: 17q21.33.
Variant type: Deletion.
Coding change: c.1685del on transcript NM_000088.4 (MANE Select); coding-DNA position 1685, one base deleted (A; older notation c.1685delA).
Protein change: p.Asp562fs; shifts the reading frame from aspartic acid 562.
Molecular consequence: frameshift variant.
Genome position (GRCh38, 1-based): chr17:50,194,025, T deleted on the plus strand (A on the coding strand, the reverse complement: COL1A1 is on the minus strand). VCF-style (leftmost placement, unchanged base first): chr17-50194024-AT-A. GRCh37 (hg19) VCF-style: chr17-48271385-AT-A.
Other names: short protein forms D562fs.
Identifiers: ClinVar variation 3725559 (VCV003725559.2).
Genomic context (GRCh38, chr17:50,194,024, plus strand): 5'-GAATCCCATCACACCAGCCTGACCACGGGCACCAGGTGGGCCTGGGGGTCCGGGGCGACC[AT>A]CTTGACCGGCGGGACCCTAAGGATGGGAGGCACGAAAGCAGCAGTGAGGACAGCAGGGAG-3'

ClinVar aggregate classification (germline): Pathogenic (1 of 4 stars; one submission).

Conditions:
Osteogenesis imperfecta type I (OI1). Also called: Lobstein's Disease; Lobstein disease; Classic Non-deforming Osteogenesis Imperfecta with Blue Sclerae; OI, TYPE I; OSTEOGENESIS IMPERFECTA TARDA; OSTEOGENESIS IMPERFECTA WITH BLUE SCLERAE. Identifiers: Orphanet 216796, Orphanet 666, MedGen C0023931, MONDO:0008146, OMIM 166200. Disease mechanism: loss of function.

Submission:

Labcorp Genetics (formerly Invitae), Labcorp
Classification: Pathogenic for Osteogenesis imperfecta type I. Last evaluated: 2024-11-19. Review status: criteria provided, single submitter. Criteria: Invitae Variant Classification Sherloc (09022015). Collection method: clinical testing. Allele origin: germline.
Comment: This sequence change creates a premature translational stop signal (p.Asp562Valfs*18) in the COL1A1 gene. It is expected to result in an absent or disrupted protein product. Loss-of-function variants in COL1A1 are known to be pathogenic (PMID: 7942841, 9295084, 9443882). This variant is not present in population databases (gnomAD no frequency). This variant has not been reported in the literature in individuals affected with COL1A1-related conditions. For these reasons, this variant has been classified as Pathogenic.

Literature cited by the submitters: PubMed 7942841; PubMed 9295084; PubMed 9443882.